The following is an entry in ClinVar:

NM_022437.3(ABCG8):c.1662C>T (p.Pro554=)

Gene: ABCG8 (ATP binding cassette subfamily G member 8; plus strand). Cytogenetic location: 2p21.
Variant type: single nucleotide variant.
Coding change: c.1662C>T on transcript NM_022437.3 (MANE Select); coding-DNA position 1662, C replaced by T.
Protein change: p.Pro554=; no amino-acid change (proline 554 retained).
Molecular consequence: synonymous variant.
Genome position (GRCh38, 1-based): chr2:43,875,319, C>T. VCF-style: chr2-43875319-C-T. GRCh37 (hg19) VCF-style: chr2-44102458-C-T.
Other names: c.1659C>T, p.Pro553= (NM_001357321.2).
Identifiers: ClinVar variation 1777513 (VCV001777513.9), dbSNP rs757506216, ClinGen allele CA1637583.

ClinVar aggregate classification (germline): Likely benign. Review status: criteria provided, multiple submitters, no conflicts (2 of 4 stars). 4 submissions from 4 submitters: Likely benign (4). Last evaluated 2025-12-28.

Conditions:
Cardiovascular phenotype. Identifiers: MedGen CN230736.
ABCG8-related disorder. Also called: ABCG8-related condition.

Allele frequency attached by ClinVar (database versions not stated): ExAC 0.00001; gnomAD 0.00001; gnomAD exomes 0.00002; TOPMed 0.00002.
gnomAD v4.1: 30 of 1,614,062 alleles (0.0019%); highest among the groups gnomAD compares: Admixed American, 0.0033%; no homozygotes.

Submissions (4):

PreventionGenetics, part of Exact Sciences
Classification: Likely benign for ABCG8-related condition. Last evaluated: 2025-12-28. Review status: criteria provided, single submitter. Criteria: ACMG Guidelines, 2015. Collection method: clinical testing. Allele origin: germline.
Comment: This variant is classified as likely benign based on ACMG/AMP sequence variant interpretation guidelines (Richards et al. 2015 PMID: 25741868, with internal and published modifications).

Labcorp Genetics (formerly Invitae), Labcorp
Classification: Likely benign. Last evaluated: 2025-04-28. Review status: criteria provided, single submitter. Criteria: Invitae Variant Classification Sherloc (09022015). Collection method: clinical testing. Allele origin: germline.

Women's Health and Genetics/Laboratory Corporation of America, LabCorp
Classification: Likely benign. Last evaluated: 2024-07-27. Review status: criteria provided, single submitter. Criteria: LabCorp Variant Classification Summary - May 2015. Collection method: clinical testing. Allele origin: germline.

Ambry Genetics
Classification: Likely benign for Cardiovascular phenotype. Last evaluated: 2022-06-27. Review status: criteria provided, single submitter. Criteria: Ambry Variant Classification Scheme 2023. Collection method: clinical testing. Allele origin: germline.